The following is an entry in ClinVar:

NM_001080467.3(MYO5B):c.2980A>G (p.Arg994Gly)

Gene: MYO5B (myosin VB; minus strand). Cytogenetic location: 18q21.1.
Variant type: single nucleotide variant.
Coding change: c.2980A>G on transcript NM_001080467.3 (MANE Select); coding-DNA position 2980, A replaced by G.
Protein change: p.Arg994Gly; replaces arginine 994 with glycine.
Molecular consequence: missense variant.
Genome position (GRCh38, 1-based): chr18:49,895,006, T>C on the plus strand (A>G on the coding strand, the complement: MYO5B is on the minus strand). VCF-style: chr18-49895006-T-C. GRCh37 (hg19) VCF-style: chr18-47421376-T-C.
Other names: short protein forms R994G.
Identifiers: ClinVar variation 2806019 (VCV002806019.3), dbSNP rs2511270889, ClinGen allele CA402429621.

ClinVar aggregate classification (germline): Uncertain significance (1 of 4 stars; one submission).

Submission:

Labcorp Genetics (formerly Invitae), Labcorp
Classification: Uncertain significance. Last evaluated: 2022-12-09. Review status: criteria provided, single submitter. Criteria: Invitae Variant Classification Sherloc (09022015). Collection method: clinical testing. Allele origin: germline.
Comment: In summary, the available evidence is currently insufficient to determine the role of this variant in disease. Therefore, it has been classified as a Variant of Uncertain Significance. Advanced modeling of protein sequence and biophysical properties (such as structural, functional, and spatial information, amino acid conservation, physicochemical variation, residue mobility, and thermodynamic stability) performed at Invitae indicates that this missense variant is not expected to disrupt MYO5B protein function. This variant has not been reported in the literature in individuals affected with MYO5B-related conditions. This variant is not present in population databases (gnomAD no frequency). This sequence change replaces arginine, which is basic and polar, with glycine, which is neutral and non-polar, at codon 994 of the MYO5B protein (p.Arg994Gly).